The following is an entry in ClinVar:

ClinVar aggregate classification (germline): Uncertain significance (1 of 4 stars; one submission).

Conditions:
Frontotemporal dementia and/or amyotrophic lateral sclerosis 1 (FTDALS1). Also called: Frontotemporal dementia with motor neuron disease 1; C9orf72 Frontotemporal Dementia and/or Amyotrophic Lateral Sclerosis. Identifiers: Orphanet 275872, MedGen C5779877, MONDO:0007105, OMIM 105550.
Paget disease of bone 2, early-onset (PDB2). Also called: Paget disease of bone 2. Identifiers: MedGen C4085251, MONDO:0011183, OMIM 602080.

Submission:

Labcorp Genetics (formerly Invitae), Labcorp
Classification: Uncertain significance for Paget disease of bone 2, early-onset; Frontotemporal dementia and/or amyotrophic lateral sclerosis 1. Last evaluated: 2025-01-15. Review status: criteria provided, single submitter. Criteria: Invitae Variant Classification Sherloc (09022015). Collection method: clinical testing. Allele origin: germline.
Comment: This sequence change replaces cysteine, which is neutral and slightly polar, with arginine, which is basic and polar, at codon 331 of the SQSTM1 protein (p.Cys331Arg). This variant is not present in population databases (gnomAD no frequency). This variant has not been reported in the literature in individuals affected with SQSTM1-related conditions. Invitae Evidence Modeling of protein sequence and biophysical properties (such as structural, functional, and spatial information, amino acid conservation, physicochemical variation, residue mobility, and thermodynamic stability) indicates that this missense variant is not expected to disrupt SQSTM1 protein function with a negative predictive value of 80%. In summary, the available evidence is currently insufficient to determine the role of this variant in disease. Therefore, it has been classified as a Variant of Uncertain Significance.

NM_003900.5(SQSTM1):c.991T>C (p.Cys331Arg)

Gene: SQSTM1 (sequestosome 1; plus strand). Cytogenetic location: 5q35.3.
Variant type: single nucleotide variant.
Coding change: c.991T>C on transcript NM_003900.5 (MANE Select); coding-DNA position 991, T replaced by C.
Protein change: p.Cys331Arg; replaces cysteine 331 with arginine.
Molecular consequence: missense variant.
Genome position (GRCh38, 1-based): chr5:179,833,608, T>C. VCF-style: chr5-179833608-T-C. GRCh37 (hg19) VCF-style: chr5-179260608-T-C.
Other names: c.739T>C, p.Cys247Arg (NM_001142298.2, NM_001142299.2); short protein forms C247R, C331R.
Identifiers: ClinVar variation 3753317 (VCV003753317.2).